The following is an entry in ClinVar:

NM_002382.5(MAX):c.407G>A (p.Gly136Glu)

Gene: MAX (MYC associated transcriptional regulator X; minus strand). Cytogenetic location: 14q23.3.
Variant type: single nucleotide variant.
Coding change: c.407G>A on transcript NM_002382.5 (MANE Select); coding-DNA position 407, G replaced by A.
Protein change: p.Gly136Glu; replaces glycine 136 with glutamic acid.
Molecular consequence: missense variant. On other transcripts: 3 prime UTR variant (12), non-coding transcript variant (7), intron variant (2).
Genome position (GRCh38, 1-based): chr14:65,076,552, C>T on the plus strand (G>A on the coding strand, the complement: MAX is on the minus strand). VCF-style: chr14-65076552-C-T. GRCh37 (hg19) VCF-style: chr14-65543270-C-T.
Other names: c.218G>A, p.Gly73Glu (NM_001320415.2, NM_001407105.1, NM_001407106.1 and 1 more transcripts); c.407G>A, p.Gly136Glu (NM_001407094.1); c.380G>A, p.Gly127Glu (NM_001407095.1, NM_145112.3); c.*180G>A (NM_001407096.1, NM_001407099.1, NM_001407102.1 and 2 more transcripts); c.*196G>A (NM_001407097.1, NM_001407100.1, NM_001407101.1 and 4 more transcripts); c.299G>A, p.Gly100Glu (NM_001407098.1); c.206G>A, p.Gly69Glu (NM_001407111.1, NM_001407112.1); c.144+17156G>A (NM_001271069.2); and 1 more; short protein forms G100E, G127E, G136E, G69E, G73E.
Identifiers: ClinVar variation 2568123 (VCV002568123.4), dbSNP rs2504173932, ClinGen allele CA390031509.

ClinVar aggregate classification (germline): Uncertain significance. Review status: criteria provided, multiple submitters, no conflicts (2 of 4 stars). 2 submissions from 2 submitters: Uncertain significance (2). Last evaluated 2024-09-01.

Conditions:
Hereditary cancer-predisposing syndrome. Also called: Neoplastic Syndromes, Hereditary; Tumor predisposition; Hereditary Cancer Syndrome; Hereditary neoplastic syndrome. Identifiers: Orphanet 140162, MedGen C0027672, MeSH D009386, MONDO:0015356.
Hereditary pheochromocytoma and paraganglioma. Also called: Hereditary paragangliomas and pheochromocytomas; Hereditary Paraganglioma-Pheochromocytoma Syndromes; Hereditary pheochromocytoma-paraganglioma. Identifiers: Orphanet 29072, MedGen C4274332, MONDO:0017366.

Allele frequency attached by ClinVar (database versions not stated): gnomAD exomes below 0.00001.
gnomAD v4.1: 5 of 1,614,076 alleles (0.00031%); highest among the groups gnomAD compares: Non-Finnish European, 0.00042%; no homozygotes.

Submissions (2):

Labcorp Genetics (formerly Invitae), Labcorp
Classification: Uncertain significance for Hereditary pheochromocytoma and paraganglioma. Last evaluated: 2024-09-01. Review status: criteria provided, single submitter. Criteria: Invitae Variant Classification Sherloc (09022015). Collection method: clinical testing. Allele origin: germline.
Comment: This sequence change replaces glycine, which is neutral and non-polar, with glutamic acid, which is acidic and polar, at codon 136 of the MAX protein (p.Gly136Glu). This variant is not present in population databases (gnomAD no frequency). This variant has not been reported in the literature in individuals affected with MAX-related conditions. ClinVar contains an entry for this variant (Variation ID: 2568123). An algorithm developed to predict the effect of missense changes on protein structure and function (PolyPhen-2) suggests that this variant is likely to be disruptive. In summary, the available evidence is currently insufficient to determine the role of this variant in disease. Therefore, it has been classified as a Variant of Uncertain Significance.

Ambry Genetics
Classification: Uncertain significance for Hereditary cancer-predisposing syndrome. Last evaluated: 2023-05-29. Review status: criteria provided, single submitter. Criteria: Ambry Variant Classification Scheme 2023. Collection method: clinical testing. Allele origin: germline.
Comment: The p.G136E variant (also known as c.407G>A), located in coding exon 5 of the MAX gene, results from a G to A substitution at nucleotide position 407. The glycine at codon 136 is replaced by glutamic acid, an amino acid with similar properties. This amino acid position is conserved. In addition, the in silico prediction for this alteration is inconclusive. Since supporting evidence is limited at this time, the clinical significance of this alteration remains unclear.